The following is an entry in ClinVar:

ClinVar aggregate classification (germline): Uncertain significance. Review status: criteria provided, single submitter (1 of 4 stars). 2 submissions from 2 submitters: Uncertain significance (1). 1 of the submissions does not count toward it. Last evaluated 2022-09-27.

Conditions:
Carnitine palmitoyltransferase II deficiency. Also called: Carnitine Palmitoyltransferase 2 Deficiency. Identifiers: Orphanet 157, MedGen C0342790, MONDO:0015515.

Allele frequency attached by ClinVar (database versions not stated): TOPMed 0.00002; gnomAD 0.00003 and 0.00004.
gnomAD v4.1: 23 of 1,526,986 alleles (0.0015%); highest among the groups gnomAD compares: Non-Finnish European, 0.0019%; no homozygotes.

Submissions (2):

Labcorp Genetics (formerly Invitae), Labcorp
Classification: Uncertain significance for Carnitine palmitoyltransferase II deficiency. Last evaluated: 2022-09-27. Review status: criteria provided, single submitter. Criteria: Invitae Variant Classification Sherloc (09022015). Collection method: clinical testing. Allele origin: germline.
Comment: This sequence change replaces arginine, which is basic and polar, with glutamine, which is neutral and polar, at codon 12 of the CPT2 protein (p.Arg12Gln). This variant is present in population databases (no rsID available, gnomAD 0.007%). This variant has not been reported in the literature in individuals affected with CPT2-related conditions. ClinVar contains an entry for this variant (Variation ID: 460434). Advanced modeling of protein sequence and biophysical properties (such as structural, functional, and spatial information, amino acid conservation, physicochemical variation, residue mobility, and thermodynamic stability) performed at Invitae indicates that this missense variant is not expected to disrupt CPT2 protein function. Algorithms developed to predict the effect of sequence changes on RNA splicing suggest that this variant may create or strengthen a splice site. In summary, the available evidence is currently insufficient to determine the role of this variant in disease. Therefore, it has been classified as a Variant of Uncertain Significance.

Natera, Inc.
Classification: Uncertain significance for Carnitine palmitoyltransferase II deficiency. Last evaluated: 2020-03-30. Review status: no assertion criteria provided. Collection method: clinical testing. Allele origin: germline. Not counted in ClinVar's aggregate classification.

NM_000098.3(CPT2):c.35G>A (p.Arg12Gln)

Genes: CPT2 (carnitine palmitoyltransferase 2; plus strand), LOC129930561 (ATAC-STARR-seq lymphoblastoid silent region 902; plus strand). Cytogenetic location: 1p32.3.
Variant type: single nucleotide variant.
Coding change: c.35G>A on transcript NM_000098.3 (MANE Select); coding-DNA position 35, G replaced by A.
Protein change: p.Arg12Gln; replaces arginine 12 with glutamine.
Molecular consequence: missense variant.
Genome position (GRCh38, 1-based): chr1:53,196,978, G>A. VCF-style: chr1-53196978-G-A. GRCh37 (hg19) VCF-style: chr1-53662650-G-A.
Other names: c.35G>A, p.Arg12Gln (NM_001330589.2); short protein forms R12Q.
Identifiers: ClinVar variation 460434 (VCV000460434.9), dbSNP rs1044059386, ClinGen allele CA22626369.